The following is an entry in ClinVar:

NM_001848.3(COL6A1):c.2237G>T (p.Ser746Ile)

Gene: COL6A1 (collagen type VI alpha 1 chain; plus strand). Cytogenetic location: 21q22.3.
Variant type: single nucleotide variant.
Coding change: c.2237G>T on transcript NM_001848.3 (MANE Select); coding-DNA position 2237, G replaced by T.
Protein change: p.Ser746Ile; replaces serine 746 with isoleucine.
Molecular consequence: missense variant.
Genome position (GRCh38, 1-based): chr21:46,002,388, G>T. VCF-style: chr21-46002388-G-T. GRCh37 (hg19) VCF-style: chr21-47422302-G-T.
Other names: short protein forms S746I.
Identifiers: ClinVar variation 3632559 (VCV003632559.2).

ClinVar aggregate classification (germline): Uncertain significance (1 of 4 stars; one submission).

Conditions:
Bethlem myopathy 1A. Also called: Bethlem myopathy 1; MYOPATHY, BENIGN CONGENITAL, WITH CONTRACTURES; Bethlem Muscular Dystrophy. Identifiers: Orphanet 610, MedGen CN029274, MONDO:0024530, OMIM 158810.

Submission:

Labcorp Genetics (formerly Invitae), Labcorp
Classification: Uncertain significance for Bethlem myopathy 1A. Last evaluated: 2025-10-02. Review status: criteria provided, single submitter. Criteria: Invitae Variant Classification Sherloc (09022015). Collection method: clinical testing. Allele origin: germline.
Comment: This sequence change replaces serine, which is neutral and polar, with isoleucine, which is neutral and non-polar, at codon 746 of the COL6A1 protein (p.Ser746Ile). This variant is not present in population databases (gnomAD no frequency). This variant has not been reported in the literature in individuals affected with COL6A1-related conditions. ClinVar contains an entry for this variant (Variation ID: 3632559). Invitae Evidence Modeling of protein sequence and biophysical properties (such as structural, functional, and spatial information, amino acid conservation, physicochemical variation, residue mobility, and thermodynamic stability) indicates that this missense variant is not expected to disrupt COL6A1 protein function with a negative predictive value of 95%. In summary, the available evidence is currently insufficient to determine the role of this variant in disease. Therefore, it has been classified as a Variant of Uncertain Significance.